The following is an entry in ClinVar:

ClinVar aggregate classification (germline): Conflicting classifications of pathogenicity. Review status: criteria provided, conflicting classifications (1 of 4 stars). 4 submissions from 4 submitters: Pathogenic (1); Likely pathogenic (1); Uncertain significance (2). Last evaluated 2025-12-25.

Conditions:
MYD88-related disorders.
MYD88-related disorder. Also called: MYD88-related condition.
Pyogenic bacterial infections due to MyD88 deficiency (IMD68). Also called: PYOGENIC BACTERIAL INFECTIONS, RECURRENT, DUE TO MYD88 DEFICIENCY. Identifiers: Orphanet 183713, MedGen C2677092, MONDO:0012839, OMIM 612260.

Submissions (4):

Labcorp Genetics (formerly Invitae), Labcorp
Classification: Pathogenic for Pyogenic bacterial infections due to MyD88 deficiency. Last evaluated: 2025-12-25. Review status: criteria provided, single submitter. Criteria: Invitae Variant Classification Sherloc (09022015). Collection method: clinical testing. Allele origin: germline.
Comment: This sequence change creates a premature translational stop signal (p.Ala6Profs*39) in the MYD88 gene. It is expected to result in an absent or disrupted protein product. Loss-of-function variants in MYD88 are known to be pathogenic (PMID: 18669862, 20538326). This variant is present in population databases (rs746651350, gnomAD 0.07%). This variant has not been reported in the literature in individuals affected with MYD88-related conditions. ClinVar contains an entry for this variant (Variation ID: 469578). For these reasons, this variant has been classified as Pathogenic.

PreventionGenetics, part of Exact Sciences
Classification: Uncertain significance for MYD88-related condition. Last evaluated: 2025-03-27. Review status: criteria provided, single submitter. Criteria: ACMG Guidelines, 2015. Collection method: clinical testing. Allele origin: germline.
Comment: The MYD88 c.16_34del19 variant is predicted to result in a frameshift and premature protein termination (p.Ala6Profs*39). This variant has been noted in two unrelated individuals with primary immune disorders, but both individuals had additional variants identified in other genes that could be related to the disorder (Gallo et al. 2016. PubMed ID: 27872624; Vinuesa et al. 2021. Preprint DOI 10.21203/rs.3.rs-152145/v1). This variant is reported in 0.061% of alleles in individuals of European (non-Finnish) descent in gnomAD, which may be too common to be causative of disease. This variant has conflicting classifications listed in ClinVar ranging from uncertain to pathogenic. At this time, the clinical significance of this variant is uncertain due to the absence of conclusive functional and genetic evidence.

Blueprint Genetics
Classification: Likely pathogenic for MYD88-related disorders. Last evaluated: 2024-09-15. Review status: criteria provided, single submitter. Criteria: ACMG Guidelines, 2015. Collection method: clinical testing. Allele origin: germline. Affected: yes. Observed: 5 variant alleles.

New York Genome Center
Classification: Uncertain significance for Pyogenic bacterial infections due to MyD88 deficiency. Last evaluated: 2020-05-29. Review status: criteria provided, single submitter. Criteria: NYGC Assertion Criteria 2020. Collection method: clinical testing. Allele origin: germline. Observed: 1 heterozygote. Study: CSER-NYCKidSeq.

Literature cited by the submitters: PubMed 18669862 (cited by Labcorp Genetics (formerly Invitae), Labcorp); PubMed 20538326 (cited by Labcorp Genetics (formerly Invitae), Labcorp).

NM_002468.5(MYD88):c.-24_-6del

Gene: MYD88 (MYD88 innate immune signal transduction adaptor; plus strand). Cytogenetic location: 3p22.2.
Variant type: Deletion.
Coding change: c.-24_-6del on transcript NM_002468.5 (MANE Select); 24 bases upstream of the start codon through 6 bases upstream of the start codon, 19 bases deleted (GCTGAGGCTCCAGGACCGC).
Molecular consequence: 5 prime UTR variant.
Genome position (GRCh38, 1-based): chr3:38,138,677-38,138,695, GCTGAGGCTCCAGGACCGC deleted; deleting any 19 consecutive bases within chr3:38,138,671-38,138,695 gives the same sequence; the c. name uses the placement nearest the transcript's 3' end. VCF-style (leftmost placement, unchanged base first): chr3-38138670-CGACCGCGCTGAGGCTCCAG-C. GRCh37 (hg19) VCF-style: chr3-38180161-CGACCGCGCTGAGGCTCCAG-C.
Other names: c.-24_-6del (NM_001172566.2, NM_001172567.2, NM_001172568.2 and 3 more transcripts); c.16_34delGCTGAGGCTCCAGGACCGC (NM_002468.4); c.16_34del19 (NM_002468.4).
Identifiers: ClinVar variation 469578 (VCV000469578.16), dbSNP rs746651350, ClinGen allele CA2316006.
Genomic context (GRCh38, chr3:38,138,670, plus strand): 5'-GCCGGCGGGGCGGGGCGGGTGCCGCAGGAGAAAGAGGAAGCGCTGGCAGACAATGCGACC[CGACCGCGCTGAGGCTCCAG>C]GACCGCCCGCCATGGCTGCAGGAGGTCCCGGCGCGGGGTCTGCGGCCCCGGTCTCCTCCA-3'